The following is an entry in ClinVar:

NM_001114753.3(ENG):c.1409G>A (p.Gly470Glu)

Genes: ENG (endoglin; minus strand), LOC102723566 (uncharacterized LOC102723566; plus strand). Cytogenetic location: 9q34.11.
Variant type: single nucleotide variant.
Coding change: c.1409G>A on transcript NM_001114753.3 (MANE Select); coding-DNA position 1409, G replaced by A.
Protein change: p.Gly470Glu; replaces glycine 470 with glutamic acid.
Molecular consequence: missense variant.
Genome position (GRCh38, 1-based): chr9:127,818,735, C>T on the plus strand (G>A on the coding strand, the complement: ENG is on the minus strand). VCF-style: chr9-127818735-C-T. GRCh37 (hg19) VCF-style: chr9-130581014-C-T.
Other names: c.1409G>A, p.Gly470Glu (NM_000118.4); c.863G>A, p.Gly288Glu (NM_001278138.2); short protein forms G288E, G470E.
Identifiers: ClinVar variation 4824973 (VCV004824973.1).
Genomic context (GRCh38, chr9:127,818,735, plus strand): 5'-AGGAGCTGGGAGGCCCGAGGGGTGACAGGCATGCCAGGTACCTGCACAAAGCTCTGCTGC[C>T]CCGGCTCGATGGTGTTGGAGGCCTGGAGGAAGTGTGGGCTGAGGTAGAGGCCCAGCTGGA-3'
Protein context (NP_001108225.1, residues 460-480): FLQASNTIEP[Gly470Glu]QQSFVQVRVS

ClinVar aggregate classification (germline): Uncertain significance (1 of 4 stars; one submission).

Conditions:
Cardiovascular phenotype. Identifiers: MedGen CN230736.

Submission:

Ambry Genetics
Classification: Uncertain significance for Cardiovascular phenotype. Last evaluated: 2026-01-20. Review status: criteria provided, single submitter. Criteria: Ambry Variant Classification Scheme 2023. Collection method: clinical testing. Allele origin: germline.
Comment: The p.G470E variant (also known as c.1409G>A), located in coding exon 11 of the ENG gene, results from a G to A substitution at nucleotide position 1409. The glycine at codon 470 is replaced by glutamic acid, an amino acid with similar properties. This amino acid position is conserved. In addition, this alteration is predicted to be tolerated by in silico analysis. Based on the available evidence, the clinical significance of this variant remains unclear.